The following is an entry in ClinVar:

NM_001197104.2(KMT2A):c.6911C>A (p.Ser2304Tyr)

Gene: KMT2A (lysine methyltransferase 2A; plus strand). Cytogenetic location: 11q23.3.
Variant type: single nucleotide variant.
Coding change: c.6911C>A on transcript NM_001197104.2 (MANE Select); coding-DNA position 6911, C replaced by A.
Protein change: p.Ser2304Tyr; replaces serine 2304 with tyrosine.
Molecular consequence: missense variant.
Genome position (GRCh38, 1-based): chr11:118,502,803, C>A. VCF-style: chr11-118502803-C-A. GRCh37 (hg19) VCF-style: chr11-118373518-C-A.
Other names: c.6902C>A, p.Ser2301Tyr (NM_005933.4); short protein forms S2301Y, S2304Y.
Identifiers: ClinVar variation 1314446 (VCV001314446.2), dbSNP rs1565302475, ClinGen allele CA382803536.

ClinVar aggregate classification (germline): Uncertain significance (1 of 4 stars; one submission).

Submission:

GeneDx
Classification: Uncertain significance. Last evaluated: 2020-01-29. Review status: criteria provided, single submitter. Criteria: GeneDx Variant Classification Process June 2021. Collection method: clinical testing. Allele origin: germline. Affected: yes.
Comment: Not observed in large population cohorts (Lek et al., 2016); In silico analysis, which includes protein predictors and evolutionary conservation, supports that this variant does not alter protein structure/function; Has not been previously published as pathogenic or benign to our knowledge